The following is an entry in ClinVar:

NM_178857.6(RP1L1):c.4700G>A (p.Arg1567His)

Gene: RP1L1 (RP1 like 1). Cytogenetic location: 8p23.1.
Variant type: single nucleotide variant.
Coding change: c.4700G>A on transcript NM_178857.6 (MANE Select); coding-DNA position 4700, G replaced by A.
Protein change: p.Arg1567His; replaces arginine 1567 with histidine.
Molecular consequence: missense variant.
Genome position (GRCh38, 1-based): chr8:10,609,398, C>T on the plus strand (G>A on the coding strand, the complement: RP1L1 is on the minus strand). VCF-style: chr8-10609398-C-T. GRCh37 (hg19) VCF-style: chr8-10466908-C-T.
Other names: short protein forms R1567H.
Identifiers: ClinVar variation 4989200 (VCV004989200.1).

ClinVar aggregate classification (germline): Uncertain significance (1 of 4 stars; one submission).

Conditions:
RP1L1-related disorder. Also called: RP1L1-related condition.

gnomAD v4.1: 15 of 1,612,210 alleles (0.00093%); highest among the groups gnomAD compares: African/African-American, 0.008%; no homozygotes.

Submission:

PreventionGenetics, part of Exact Sciences
Classification: Uncertain significance for RP1L1-related condition. Last evaluated: 2025-08-05. Review status: criteria provided, single submitter. Criteria: ACMG Guidelines, 2015. Collection method: clinical testing. Allele origin: germline.
Comment: The RP1L1 c.4700G>A variant is predicted to result in the amino acid substitution p.Arg1567His. To our knowledge, this variant has not been reported in the literature. This variant is reported in 0.013% of alleles in individuals of African descent in gnomAD. At this time, the clinical significance of this variant is uncertain due to the absence of conclusive functional and genetic evidence.